The following is an entry in ClinVar:

NM_000760.4(CSF3R):c.1072-1G>C

Gene: CSF3R (colony stimulating factor 3 receptor; minus strand). Cytogenetic location: 1p34.3.
Variant type: single nucleotide variant.
Coding change: c.1072-1G>C on transcript NM_000760.4 (MANE Select); the canonical splice acceptor site of the intron before coding-DNA position 1072, G replaced by C.
Molecular consequence: splice acceptor variant.
Genome position (GRCh38, 1-based): chr1:36,471,647, C>G on the plus strand (G>C on the coding strand, the complement: CSF3R is on the minus strand). VCF-style: chr1-36471647-C-G. GRCh37 (hg19) VCF-style: chr1-36937248-C-G.
Other names: c.1072-1G>C (NM_156039.3, NM_172313.3).
Identifiers: ClinVar variation 1453348 (VCV001453348.6), dbSNP rs992318824, ClinGen allele CA339422043.

ClinVar aggregate classification (germline): Pathogenic (1 of 4 stars; one submission).

Conditions:
Autosomal recessive severe congenital neutropenia due to CSF3R deficiency. Also called: Neutropenia, severe congenital, 7, autosomal recessive. Identifiers: Orphanet 420702, MedGen C4310764, MONDO:0014865, OMIM 617014.

Submission:

Labcorp Genetics (formerly Invitae), Labcorp
Classification: Pathogenic for Autosomal recessive severe congenital neutropenia due to CSF3R deficiency. Last evaluated: 2024-07-24. Review status: criteria provided, single submitter. Criteria: Invitae Variant Classification Sherloc (09022015). Collection method: clinical testing. Allele origin: germline.
Comment: This sequence change affects an acceptor splice site in intron 9 of the CSF3R gene. It is expected to disrupt RNA splicing. Variants that disrupt the donor or acceptor splice site typically lead to a loss of protein function (PMID: 16199547), and loss-of-function variants in CSF3R are known to be pathogenic (PMID: 24753537, 26324699). This variant is not present in population databases (gnomAD no frequency). Disruption of this splice site has been observed in individual(s) with autosomal recessive congenital neutropenia (Invitae). In at least one individual the data is consistent with being in trans (on the opposite chromosome) from a pathogenic variant. ClinVar contains an entry for this variant (Variation ID: 1453348). Algorithms developed to predict the effect of sequence changes on RNA splicing suggest that this variant may disrupt the consensus splice site. For these reasons, this variant has been classified as Pathogenic.

Literature cited by the submitters: PubMed 16199547; PubMed 24753537; PubMed 26324699.